The following is an entry in ClinVar:

NM_001267550.2(TTN):c.74087G>T (p.Gly24696Val)

Genes: TTN (titin; minus strand), TTN-AS1 (TTN antisense RNA 1; plus strand). Cytogenetic location: 2q31.2.
Variant type: single nucleotide variant.
Coding change: c.74087G>T on transcript NM_001267550.2 (MANE Select); coding-DNA position 74087, G replaced by T.
Protein change: p.Gly24696Val; replaces glycine 24696 with valine.
Molecular consequence: missense variant.
Genome position (GRCh38, 1-based): chr2:178,572,045, C>A on the plus strand (G>T on the coding strand, the complement: TTN is on the minus strand). VCF-style: chr2-178572045-C-A. GRCh37 (hg19) VCF-style: chr2-179436772-C-A.
Other names: c.69164G>T, p.Gly23055Val (NM_001256850.1); c.46892G>T, p.Gly15631Val (NM_003319.4); c.66383G>T, p.Gly22128Val (NM_133378.4); c.47267G>T, p.Gly15756Val (NM_133432.3); c.47468G>T, p.Gly15823Val (NM_133437.4); short protein forms G15631V, G15756V, G15823V, G22128V, G23055V, G24696V.
Identifiers: ClinVar variation 5037888 (VCV005037888.1).
Genomic context (GRCh38, chr2:178,572,045, plus strand): 5'-GGTGGAATGACAAGATCTTTGGCGATCACTGGCACACTCAGTTGTCTAGGATCACTGATG[C>A]CCTTTTCATTCTGAGCTGAAACACGGAAAGAGTATTCTTCACCCTGAATTAATCCAGTGA-3'
Protein context (NP_001254479.2, residues 24686-24706): SFRVSAQNEK[Gly24696Val]ISDPRQLSVP

ClinVar aggregate classification (germline): Likely benign (1 of 4 stars; one submission).

Submission:

Molecular Diagnostic Laboratory for Inherited Cardiovascular Disease, Montreal Heart Institute
Classification: Likely benign. Last evaluated: 2026-09-21. Review status: criteria provided, single submitter. Criteria: ACMG Guidelines, 2015. Collection method: clinical testing. Allele origin: germline. Affected: no.
Comment: BP1